The following is an entry in ClinVar:

ClinVar aggregate classification (germline): Benign (0 of 4 stars; one submission).

Conditions:
KCNC2-related disorder.

gnomAD v4.1: 3,829 of 1,611,590 alleles (0.24%); highest among the groups gnomAD compares: African/African-American, 4.5%; 75 homozygotes.

Submission:

PreventionGenetics, part of Exact Sciences
Classification: Benign for KCNC2-related condition. Last evaluated: 2024-08-05. Review status: no assertion criteria provided. Collection method: clinical testing. Allele origin: germline.
Comment: This variant is classified as benign based on ACMG/AMP sequence variant interpretation guidelines (Richards et al. 2015 PMID: 25741868, with internal and published modifications).

NM_139137.4(KCNC2):c.132C>G (p.Gly44=)

Gene: KCNC2 (potassium voltage-gated channel subfamily C member 2; minus strand). Cytogenetic location: 12q21.1.
Variant type: single nucleotide variant.
Coding change: c.132C>G on transcript NM_139137.4 (MANE Select); coding-DNA position 132, C replaced by G.
Protein change: p.Gly44=; no amino-acid change (glycine 44 retained).
Molecular consequence: synonymous variant. On other transcripts: non-coding transcript variant (2).
Genome position (GRCh38, 1-based): chr12:75,207,852, G>C on the plus strand (C>G on the coding strand, the complement: KCNC2 is on the minus strand). VCF-style: chr12-75207852-G-C. GRCh37 (hg19) VCF-style: chr12-75601632-G-C.
Other names: c.132C>G, p.Gly44= (NM_001260497.2, NM_001260498.2, NM_001260499.2 and 13 more transcripts).
Identifiers: ClinVar variation 3352707 (VCV003352707.1).
Genomic context (GRCh38, chr12:75,207,852, plus strand): 5'-CGGCGGCGACAGTGGAGGCGGCGACGGCTGCAGCTTGTCGCCCGCCGTGGTCAAGCAGTC[G>C]CCTGGGGGCTCGGAGGAGGCAAGAAGGGCCAGGCGTGTTCCAGGCAGGGTCTTGAGGGTG-3'
Protein context (NP_631875.1, residues 34-54): LALLASSEPP[Gly44=]DCLTTAGDKL